The following is an entry in ClinVar:

NM_145207.3(AFG2A):c.2166_2176del (p.Ser722_Ile723insTer)

Gene: AFG2A (AFG2 AAA ATPase homolog A; plus strand). Cytogenetic location: 4q28.1.
Variant type: Deletion.
Coding change: c.2166_2176del on transcript NM_145207.3 (MANE Select); coding-DNA positions 2166 to 2176, 11 bases deleted (CATTATTTTCT).
Protein change: p.Ser722_Ile723insTer.
Molecular consequence: frameshift variant.
Genome position (GRCh38, 1-based): chr4:123,057,241-123,057,251, CATTATTTTCT deleted. VCF-style (leftmost placement, unchanged base first): chr4-123057240-CCATTATTTTCT-C. GRCh37 (hg19) VCF-style: chr4-123978395-CCATTATTTTCT-C.
Other names: c.2163_2173del, p.Ser721_Ile722insTer (NM_001345856.2).
Identifiers: ClinVar variation 1342901 (VCV001342901.1), dbSNP rs1730786293, ClinGen allele CA1490554823.

ClinVar aggregate classification (germline): Likely pathogenic (1 of 4 stars; one submission).

Conditions:
Microcephaly-intellectual disability-sensorineural hearing loss-epilepsy-abnormal muscle tone syndrome (NEDHSB). Also called: NEURODEVELOPMENTAL DISORDER WITH HEARING LOSS, SEIZURES, AND BRAIN ABNORMALITIES. Identifiers: Orphanet 457351, MedGen C4225276, MONDO:0014698, OMIM 616577.

Submission:

Institute of Human Genetics, University of Leipzig Medical Center
Classification: Likely pathogenic for Microcephaly-intellectual disability-sensorineural hearing loss-epilepsy-abnormal muscle tone syndrome. Last evaluated: 2022-02-17. Review status: criteria provided, single submitter. Criteria: ACMG Guidelines, 2015. Collection method: clinical testing. Allele origin: unknown. Affected: yes.
Comment: _x000D_ Criteria applied: PVS1, PM2_SUP